The following is an entry in ClinVar:

NM_014611.3(MDN1):c.4449-4T>G

Gene: MDN1 (midasin AAA ATPase 1; minus strand). Cytogenetic location: 6q15.
Variant type: single nucleotide variant.
Coding change: c.4449-4T>G on transcript NM_014611.3 (MANE Select); 4 bases into the intron before coding-DNA position 4449, T replaced by G.
Molecular consequence: intron variant.
Genome position (GRCh38, 1-based): chr6:89,740,382, A>C on the plus strand (T>G on the coding strand, the complement: MDN1 is on the minus strand). VCF-style: chr6-89740382-A-C. GRCh37 (hg19) VCF-style: chr6-90450101-A-C.
Identifiers: ClinVar variation 3056567 (VCV003056567.2), dbSNP rs12203928, ClinGen allele CA3925065.
Genomic context (GRCh38, chr6:89,740,382, plus strand): 5'-TTGTCCTCTGGACTGCCTTTTTCAGCTAATACCAGAGACTTTTCTACTTCAAGGACACTA[A>C]AAGAAAAATTGAAGAACAGTGAAAAGGGCTTATACAATCTTTCTGTTTTACAATCTTCAA-3'

ClinVar aggregate classification (germline): Benign (0 of 4 stars; one submission).

Conditions:
MDN1-related disorder. Also called: MDN1-related condition.

Allele frequency attached by ClinVar (database versions not stated): 1000 Genomes Project 30x 0.00890; 1000 Genomes Project 0.00938; gnomAD 0.01945; TOPMed 0.01967; ESP Exome Variant Server 0.02353.
gnomAD v4.1: 41,138 of 1,570,256 alleles (2.6%); highest among the groups gnomAD compares: Non-Finnish European, 3%; 651 homozygotes.

Submission:

PreventionGenetics, part of Exact Sciences
Classification: Benign for MDN1-related condition. Last evaluated: 2020-02-24. Review status: no assertion criteria provided. Collection method: clinical testing. Allele origin: germline.
Comment: This variant is classified as benign based on ACMG/AMP sequence variant interpretation guidelines (Richards et al. 2015 PMID: 25741868, with internal and published modifications).